The following is an entry in ClinVar:

ClinVar aggregate classification (germline): Likely pathogenic. Review status: criteria provided, multiple submitters, no conflicts (2 of 4 stars). 2 submissions from 2 submitters: Likely pathogenic (2). Last evaluated 2026-05-22.

Conditions:
Oculocutaneous albinism type 1. Also called: Albinism 1; ALBINISM I. Identifiers: Orphanet 352731, MedGen C0268494, MONDO:0018135. Disease mechanism: loss of function.
TYR-related disorder. Also called: TYR-related condition.

gnomAD v4.1: 1 of 1,613,918 alleles (0.000062%); highest among the groups gnomAD compares: South Asian, 0.0011%; no homozygotes.

Submissions (2):

PreventionGenetics, part of Exact Sciences
Classification: Likely pathogenic for TYR-related condition. Last evaluated: 2026-05-22. Review status: criteria provided, single submitter. Criteria: ACMG Guidelines, 2015. Collection method: clinical testing. Allele origin: germline.
Comment: The TYR c.632A>G variant is predicted to result in the amino acid substitution p.His211Arg. This variant has been reported along with a second TYR variant in multiple individuals with oculocutaneous albinism (Wei et al. 2010. PubMed ID: 19865097; Table S1, Wei et al. 2021. PubMed ID: 34838614). This variant is absent in a large population database (gnomAD), indicating this variant is rare. This variant is interpreted as likely pathogenic.

Myriad Genetics, Inc.
Classification: Likely pathogenic for Oculocutaneous albinism type 1. Last evaluated: 2025-11-11. Review status: criteria provided, single submitter. Criteria: Myriad Autosomal Dominant, Autosomal Recessive and X-Linked Classification Criteria (2023). Collection method: clinical testing. Allele origin: unknown.
Comment: NM_000372.4(TYR):c.632A>G(H211R) is a missense variant classified as likely pathogenic in the context of oculocutaneous albinism, TYR-related. H211R has been observed in cases with relevant disease (PMID: 34838614, 21458243, 19865097). Relevant functional assessments of this variant are not available in the literature. H211R has not been observed in referenced population frequency databases. In summary, NM_000372.4(TYR):c.632A>G(H211R) is a missense variant that has been observed more frequently in cases with the relevant disease than in healthy populations. Please note: this variant was assessed in the context of healthy population screening.

Literature cited by the submitters: PubMed 19865097 (cited by Myriad Genetics, Inc.); PubMed 21458243 (cited by Myriad Genetics, Inc.); PubMed 34838614 (cited by Myriad Genetics, Inc.).

NM_000372.5(TYR):c.632A>G (p.His211Arg)

Gene: TYR (tyrosinase; plus strand). Cytogenetic location: 11q14.3.
Variant type: single nucleotide variant.
Coding change: c.632A>G on transcript NM_000372.5 (MANE Select); coding-DNA position 632, A replaced by G.
Protein change: p.His211Arg; replaces histidine 211 with arginine.
Molecular consequence: missense variant.
Genome position (GRCh38, 1-based): chr11:89,178,585, A>G. VCF-style: chr11-89178585-A-G. GRCh37 (hg19) VCF-style: chr11-88911753-A-G.
Other names: short protein forms H211R.
Identifiers: ClinVar variation 4991266 (VCV004991266.1).